The following is an entry in ClinVar:

NM_003072.5(SMARCA4):c.3913A>G (p.Met1305Val)

Gene: SMARCA4 (SWI/SNF related BAF chromatin remodeling complex subunit ATPase 4; plus strand). Cytogenetic location: 19p13.2.
Variant type: single nucleotide variant.
Coding change: c.3913A>G on transcript NM_003072.5 (MANE Select); coding-DNA position 3913, A replaced by G.
Protein change: p.Met1305Val; replaces methionine 1305 with valine.
Molecular consequence: missense variant. On other transcripts: non-coding transcript variant (1).
Genome position (GRCh38, 1-based): chr19:11,034,162, A>G. VCF-style: chr19-11034162-A-G. GRCh37 (hg19) VCF-style: chr19-11144838-A-G.
Other names: c.3913A>G, p.Met1305Val (NM_001128844.3, NM_001128849.3, NM_001387283.1); c.3814A>G, p.Met1272Val (NM_001128845.2, NM_001128846.2, NM_001128847.4 and 2 more transcripts); short protein forms M1305V, M1272V.
Identifiers: ClinVar variation 580156 (VCV000580156.12), dbSNP rs1568512179, ClinGen allele CA404067874.

ClinVar aggregate classification (germline): Uncertain significance. Review status: criteria provided, multiple submitters, no conflicts (2 of 4 stars). 2 submissions from 2 submitters: Uncertain significance (2). Last evaluated 2025-02-06.

Conditions:
Hereditary cancer-predisposing syndrome. Also called: Neoplastic Syndromes, Hereditary; Tumor predisposition; Hereditary neoplastic syndrome; Hereditary Cancer Syndrome. Identifiers: Orphanet 140162, MedGen C0027672, MeSH D009386, MONDO:0015356.
Rhabdoid tumor predisposition syndrome 2 (RTPS2). Identifiers: Orphanet 231108, Orphanet 69077, MedGen C2750074, MONDO:0013224, OMIM 613325.

Allele frequency attached by ClinVar (database versions not stated): gnomAD exomes below 0.00001.

Submissions (2):

Ambry Genetics
Classification: Uncertain significance for Hereditary cancer-predisposing syndrome. Last evaluated: 2025-02-06. Review status: criteria provided, single submitter. Criteria: Ambry Variant Classification Scheme 2023. Collection method: clinical testing. Allele origin: germline.
Comment: The p.M1305V variant (also known as c.3913A>G), located in coding exon 27 of the SMARCA4 gene, results from an A to G substitution at nucleotide position 3913. The methionine at codon 1305 is replaced by valine, an amino acid with highly similar properties. This amino acid position is highly conserved in available vertebrate species. In addition, this alteration is predicted to be deleterious by in silico analysis. Missense and in-frame variants in SMARCA4 are known to cause neurodevelopmental disorders; however, such associations with rhabdoid tumor predisposition syndrome including small cell carcinoma of the ovary-hypercalcemic type (SCCOHT) are exceedingly rare (Kosho T et al. Am J Med Genet C Semin Med Genet. 2014 Sep;166C(3):262-75; Jelinic P et al. Nat Genet. 2014 May;46(5):424-6). Since supporting evidence is limited at this time, the clinical significance of this alteration remains unclear.

Labcorp Genetics (formerly Invitae), Labcorp
Classification: Uncertain significance for Rhabdoid tumor predisposition syndrome 2. Last evaluated: 2024-04-29. Review status: criteria provided, single submitter. Criteria: Invitae Variant Classification Sherloc (09022015). Collection method: clinical testing. Allele origin: germline.
Comment: This sequence change replaces methionine, which is neutral and non-polar, with valine, which is neutral and non-polar, at codon 1305 of the SMARCA4 protein (p.Met1305Val). This variant is not present in population databases (gnomAD no frequency). This variant has not been reported in the literature in individuals affected with SMARCA4-related conditions. ClinVar contains an entry for this variant (Variation ID: 580156). Advanced modeling of protein sequence and biophysical properties (such as structural, functional, and spatial information, amino acid conservation, physicochemical variation, residue mobility, and thermodynamic stability) performed at Invitae indicates that this missense variant is expected to disrupt SMARCA4 protein function with a positive predictive value of 95%. RNA analysis performed to evaluate the impact of this missense change on mRNA splicing indicates it does not significantly alter splicing (Invitae). In summary, the available evidence is currently insufficient to determine the role of this variant in disease. Therefore, it has been classified as a Variant of Uncertain Significance.